The following is an entry in ClinVar:

ClinVar aggregate classification (germline): Uncertain significance (1 of 4 stars; one submission).

Conditions:
Inborn genetic diseases. Identifiers: MedGen C0950123, MeSH D030342.

Submission:

Ambry Genetics
Classification: Uncertain significance for Inborn genetic diseases. Last evaluated: 2025-07-03. Review status: criteria provided, single submitter. Criteria: Ambry Variant Classification Scheme 2023. Collection method: clinical testing. Allele origin: germline.
Comment: The p.E158V variant (also known as c.473A>T), located in coding exon 6 of the DDX41 gene, results from an A to T substitution at nucleotide position 473. The glutamic acid at codon 158 is replaced by valine, an amino acid with dissimilar properties. This amino acid position is conserved. In addition, this alteration is predicted to be tolerated by in silico analysis. Based on the available evidence, the clinical significance of this variant remains unclear.

NM_016222.4(DDX41):c.473A>T (p.Glu158Val)

Gene: DDX41 (DEAD-box helicase 41; minus strand). Cytogenetic location: 5q35.3.
Variant type: single nucleotide variant.
Coding change: c.473A>T on transcript NM_016222.4 (MANE Select); coding-DNA position 473, A replaced by T.
Protein change: p.Glu158Val; replaces glutamic acid 158 with valine.
Molecular consequence: missense variant.
Genome position (GRCh38, 1-based): chr5:177,515,783, T>A on the plus strand (A>T on the coding strand, the complement: DDX41 is on the minus strand). VCF-style: chr5-177515783-T-A. GRCh37 (hg19) VCF-style: chr5-176942784-T-A.
Other names: c.95A>T, p.Glu32Val (NM_001321732.2, NM_001321830.2); short protein forms E32V, E158V.
Identifiers: ClinVar variation 4238749 (VCV004238749.1).